The following is an entry in ClinVar:

ClinVar aggregate classification (germline): Uncertain significance (1 of 4 stars; one submission).

Submission:

CeGaT Center for Human Genetics Tuebingen
Classification: Uncertain significance. Last evaluated: 2023-12-01. Review status: criteria provided, single submitter. Criteria: CeGaT Center For Human Genetics Tuebingen Variant Classification Criteria Version 2. Collection method: clinical testing. Allele origin: germline. Affected: yes. Observed: 1 variant allele.
Comment: KCNQ1OT1: PM2, PS2:Supporting

NM_000218.3(KCNQ1):c.1514+1025C>T

Genes: KCNQ1 (potassium voltage-gated channel subfamily Q member 1; plus strand), KCNQ1OT1 (KCNQ1 opposite strand/antisense transcript 1; minus strand). Cytogenetic location: 11p15.5.
Variant type: single nucleotide variant.
Coding change: c.1514+1025C>T on transcript NM_000218.3 (MANE Select); 1025 bases into the intron after coding-DNA position 1514, C replaced by T.
Molecular consequence: intron variant. On other transcripts: non-coding transcript variant (1).
Genome position (GRCh38, 1-based): chr11:2,663,106, C>T. VCF-style: chr11-2663106-C-T. GRCh37 (hg19) VCF-style: chr11-2684336-C-T.
Other names: c.1244+1025C>T (NM_001406837.1); c.1418+1025C>T (NM_001406836.1); c.974+1025C>T (NM_001406838.1); c.1133+1025C>T (NM_181798.2).
Identifiers: ClinVar variation 3026945 (VCV003026945.22), dbSNP rs2493874481, ClinGen allele CA472245319.